The following is an entry in ClinVar:

ClinVar aggregate classification (germline): Uncertain significance (1 of 4 stars; one submission).

gnomAD v4.1: 9 of 1,609,458 alleles (0.00056%); highest among the groups gnomAD compares: Non-Finnish European, 0.00076%; no homozygotes.

Submission:

GeneDx
Classification: Uncertain significance. Last evaluated: 2025-01-31. Review status: criteria provided, single submitter. Criteria: GeneDx Variant Classification Process June 2021. Collection method: clinical testing. Allele origin: germline. Affected: yes.
Comment: Not observed at significant frequency in large population cohorts (gnomAD); In silico analysis indicates that this missense variant does not alter protein structure/function; Has not been previously published as pathogenic or benign to our knowledge

NM_001128840.3(CACNA1D):c.5808G>C (p.Glu1936Asp)

Gene: CACNA1D (calcium voltage-gated channel subunit alpha1 D; plus strand). Cytogenetic location: 3p21.1.
Variant type: single nucleotide variant.
Coding change: c.5808G>C on transcript NM_001128840.3 (MANE Select); coding-DNA position 5808, G replaced by C.
Protein change: p.Glu1936Asp; replaces glutamic acid 1936 with aspartic acid.
Molecular consequence: missense variant.
Genome position (GRCh38, 1-based): chr3:53,808,707, G>C. VCF-style: chr3-53808707-G-C. GRCh37 (hg19) VCF-style: chr3-53842734-G-C.
Other names: c.5868G>C, p.Glu1956Asp (NM_000720.4); c.5736G>C, p.Glu1912Asp (NM_001128839.3); short protein forms E1912D, E1936D, E1956D.
Identifiers: ClinVar variation 4072612 (VCV004072612.1).